The following is an entry in ClinVar:

ClinVar aggregate classification (germline): Uncertain significance. Review status: criteria provided, multiple submitters, no conflicts (2 of 4 stars). 3 submissions from 3 submitters: Uncertain significance (3). Last evaluated 2026-04-23.

Conditions:
Hereditary cancer-predisposing syndrome. Also called: Neoplastic Syndromes, Hereditary; Tumor predisposition; Hereditary neoplastic syndrome; Hereditary Cancer Syndrome. Identifiers: Orphanet 140162, MedGen C0027672, MeSH D009386, MONDO:0015356.
EGFR-related lung cancer (EGFR). Identifiers: MedGen CN130014.

Submissions (3):

Ambry Genetics
Classification: Uncertain significance for Hereditary cancer-predisposing syndrome. Last evaluated: 2026-04-23. Review status: criteria provided, single submitter. Criteria: Ambry Variant Classification Scheme 2023. Collection method: clinical testing. Allele origin: germline.
Comment: The p.C295R variant (also known as c.883T>C), located in coding exon 7 of the EGFR gene, results from a T to C substitution at nucleotide position 883. The cysteine at codon 295 is replaced by arginine, an amino acid with highly dissimilar properties. This amino acid position is highly conserved in available vertebrate species. In addition, this alteration is predicted to be deleterious by in silico analysis. Based on the available evidence, the clinical significance of this variant remains unclear.

Blueprint Genetics
Classification: Uncertain significance. Last evaluated: 2024-07-05. Review status: criteria provided, single submitter. Criteria: ACMG Guidelines, 2015. Collection method: clinical testing. Allele origin: germline.

Labcorp Genetics (formerly Invitae), Labcorp
Classification: Uncertain significance for EGFR-related lung cancer. Last evaluated: 2023-12-10. Review status: criteria provided, single submitter. Criteria: Invitae Variant Classification Sherloc (09022015). Collection method: clinical testing. Allele origin: germline.
Comment: This sequence change replaces cysteine, which is neutral and slightly polar, with arginine, which is basic and polar, at codon 295 of the EGFR protein (p.Cys295Arg). This variant is not present in population databases (gnomAD no frequency). This variant has not been reported in the literature in individuals affected with EGFR-related conditions. Advanced modeling of protein sequence and biophysical properties (such as structural, functional, and spatial information, amino acid conservation, physicochemical variation, residue mobility, and thermodynamic stability) performed at Invitae indicates that this missense variant is expected to disrupt EGFR protein function with a positive predictive value of 80%. In summary, the available evidence is currently insufficient to determine the role of this variant in disease. Therefore, it has been classified as a Variant of Uncertain Significance.

NM_005228.5(EGFR):c.883T>C (p.Cys295Arg)

Gene: EGFR (epidermal growth factor receptor; plus strand). Cytogenetic location: 7p11.2.
Variant type: single nucleotide variant.
Coding change: c.883T>C on transcript NM_005228.5 (MANE Select); coding-DNA position 883, T replaced by C.
Protein change: p.Cys295Arg; replaces cysteine 295 with arginine.
Molecular consequence: missense variant. On other transcripts: intron variant (1).
Genome position (GRCh38, 1-based): chr7:55,154,146, T>C. VCF-style: chr7-55154146-T-C. GRCh37 (hg19) VCF-style: chr7-55221839-T-C.
Other names: c.748T>C, p.Cys250Arg (NM_001346897.2, NM_001346899.2); c.883T>C, p.Cys295Arg (NM_001346898.2, NM_201282.2, NM_201283.2 and 1 more transcripts); c.724T>C, p.Cys242Arg (NM_001346900.2); c.89-1684T>C (NM_001346941.2); short protein forms C242R, C295R, C250R.
Identifiers: ClinVar variation 2753398 (VCV002753398.5), dbSNP rs2535507351, ClinGen allele CA367577884.